The following is an entry in ClinVar:

NM_152564.5(VPS13B):c.937+4A>G

Gene: VPS13B (vacuolar protein sorting 13 homolog B; plus strand). Cytogenetic location: 8q22.2.
Variant type: single nucleotide variant.
Coding change: c.937+4A>G on transcript NM_152564.5 (MANE Select); 4 bases into the intron after coding-DNA position 937, A replaced by G.
Molecular consequence: intron variant.
Genome position (GRCh38, 1-based): chr8:99,115,878, A>G. VCF-style: chr8-99115878-A-G. GRCh37 (hg19) VCF-style: chr8-100128106-A-G.
Other names: c.937+4A>G (NM_017890.5, NM_015243.3, NM_181661.3).
Identifiers: ClinVar variation 1941330 (VCV001941330.2), dbSNP rs747875300, ClinGen allele CA4822502.
Genomic context (GRCh38, chr8:99,115,878, plus strand): 5'-AAGGCGAAATAGAGGACCTTACTTGTCATAATAAAGATATGCTAGGAAACATTACAGGTA[A>G]TGTAAAACTTTATTAAACAAAAACTTTATTTTAAGACTATTCTTACGTTTTACCATTGGG-3'

ClinVar aggregate classification (germline): Uncertain significance (1 of 4 stars; one submission).

Conditions:
Cohen syndrome (COH1). Also called: Cutis verticis gyrata, retinitis pigmentosa, and sensorineural deafness; PEPPER SYNDROME. Identifiers: Orphanet 193, MedGen C0265223, MONDO:0008999, OMIM 216550.

gnomAD v4.1: 1 of 1,610,772 alleles (0.000062%); highest among the groups gnomAD compares: East Asian, 0.0022%; no homozygotes.

Submission:

Labcorp Genetics (formerly Invitae), Labcorp
Classification: Uncertain significance for Cohen syndrome. Last evaluated: 2022-04-18. Review status: criteria provided, single submitter. Criteria: Invitae Variant Classification Sherloc (09022015). Collection method: clinical testing. Allele origin: germline.
Comment: This sequence change falls in intron 7 of the VPS13B gene. It does not directly change the encoded amino acid sequence of the VPS13B protein. It affects a nucleotide within the consensus splice site. This variant is present in population databases (rs747875300, gnomAD 0.006%). This variant has not been reported in the literature in individuals affected with VPS13B-related conditions. Variants that disrupt the consensus splice site are a relatively common cause of aberrant splicing (PMID: 17576681, 9536098). Algorithms developed to predict the effect of sequence changes on RNA splicing suggest that this variant is not likely to affect RNA splicing. In summary, the available evidence is currently insufficient to determine the role of this variant in disease. Therefore, it has been classified as a Variant of Uncertain Significance.

Literature cited by the submitters: PubMed 17576681; PubMed 9536098.